The following is an entry in ClinVar:

NM_001366385.1(CARD14):c.1138G>C (p.Val380Leu)

Gene: CARD14 (caspase recruitment domain family member 14; plus strand). Cytogenetic location: 17q25.3.
Variant type: single nucleotide variant.
Coding change: c.1138G>C on transcript NM_001366385.1 (MANE Select); coding-DNA position 1138, G replaced by C.
Protein change: p.Val380Leu; replaces valine 380 with leucine.
Molecular consequence: missense variant. On other transcripts: non-coding transcript variant (1).
Genome position (GRCh38, 1-based): chr17:80,191,371, G>C. VCF-style: chr17-80191371-G-C. GRCh37 (hg19) VCF-style: chr17-78165170-G-C.
Other names: c.1138G>C (NM_024110.3); c.1138G>C, p.Val380Leu (NM_024110.4, NM_001257970.1); c.427G>C, p.Val143Leu (NM_052819.3); short protein forms V143L, V380L.
Identifiers: ClinVar variation 966258 (VCV000966258.12), dbSNP rs995633166, ClinGen allele CA294866011.

ClinVar aggregate classification (germline): Uncertain significance. Review status: criteria provided, multiple submitters, no conflicts (2 of 4 stars). 2 submissions from 2 submitters: Uncertain significance (2). Last evaluated 2025-02-20.

Conditions:
Inborn genetic diseases. Identifiers: MedGen C0950123, MeSH D030342.
Pityriasis rubra pilaris (PRP). Also called: Pityriasis rubra pilaris--familial type. Identifiers: Orphanet 2897, MedGen C0032027, MONDO:0100017, OMIM 173200, MONDO:0008251.
Psoriasis 2. Identifiers: MedGen C1864497, MONDO:0011269, OMIM 602723.

Allele frequency attached by ClinVar (database versions not stated): gnomAD 0.00001; TOPMed 0.00002.
gnomAD v4.1: 11 of 1,613,856 alleles (0.00068%); highest among the groups gnomAD compares: Non-Finnish European, 0.00093%; no homozygotes.

Submissions (2):

Labcorp Genetics (formerly Invitae), Labcorp
Classification: Uncertain significance for Pityriasis rubra pilaris; Psoriasis 2. Last evaluated: 2025-02-20. Review status: criteria provided, single submitter. Criteria: Invitae Variant Classification Sherloc (09022015). Collection method: clinical testing. Allele origin: germline.
Comment: This sequence change replaces valine, which is neutral and non-polar, with leucine, which is neutral and non-polar, at codon 380 of the CARD14 protein (p.Val380Leu). This variant is not present in population databases (gnomAD no frequency). This variant has not been reported in the literature in individuals affected with CARD14-related conditions. ClinVar contains an entry for this variant (Variation ID: 966258). Invitae Evidence Modeling of protein sequence and biophysical properties (such as structural, functional, and spatial information, amino acid conservation, physicochemical variation, residue mobility, and thermodynamic stability) indicates that this missense variant is not expected to disrupt CARD14 protein function with a negative predictive value of 95%. In summary, the available evidence is currently insufficient to determine the role of this variant in disease. Therefore, it has been classified as a Variant of Uncertain Significance.

Ambry Genetics
Classification: Uncertain significance for Inborn genetic diseases. Last evaluated: 2023-09-14. Review status: criteria provided, single submitter. Criteria: Ambry Variant Classification Scheme 2023. Collection method: clinical testing. Allele origin: germline.